The following is an entry in ClinVar:

NM_145261.4(DNAJC19):c.90G>A (p.Glu30=)

Gene: DNAJC19 (DnaJ heat shock protein family (Hsp40) member C19; minus strand). Cytogenetic location: 3q26.33.
Variant type: single nucleotide variant.
Coding change: c.90G>A on transcript NM_145261.4 (MANE Select); coding-DNA position 90, G replaced by A.
Protein change: p.Glu30=; no amino-acid change (glutamic acid 30 retained).
Molecular consequence: synonymous variant. On other transcripts: non-coding transcript variant (3).
Genome position (GRCh38, 1-based): chr3:180,988,062, C>T on the plus strand (G>A on the coding strand, the complement: DNAJC19 is on the minus strand). VCF-style: chr3-180988062-C-T. GRCh37 (hg19) VCF-style: chr3-180705850-C-T.
Other names: c.15G>A, p.Glu5= (NM_001190233.2).
Identifiers: ClinVar variation 514784 (VCV000514784.4), dbSNP rs367996239, ClinGen allele CA2717134.

ClinVar aggregate classification (germline): Likely benign. Review status: criteria provided, multiple submitters, no conflicts (2 of 4 stars). 2 submissions from 2 submitters: Likely benign (2). Last evaluated 2026-01-28.

Conditions:
3-methylglutaconic aciduria type 5. Also called: CARDIOMYOPATHY, DILATED, WITH ATAXIA; MGA, TYPE V; 3 alpha methylglutaconic aciduria type V; MGA 5. Identifiers: Orphanet 66634, MedGen C1857776, MONDO:0012435, OMIM 610198.

Allele frequency attached by ClinVar (database versions not stated): gnomAD 0.00002; gnomAD exomes 0.00003; TOPMed 0.00003; ExAC 0.00004; ESP Exome Variant Server 0.00015.
gnomAD v4.1: 51 of 1,614,054 alleles (0.0032%); highest among the groups gnomAD compares: Non-Finnish European, 0.0042%; no homozygotes.

Submissions (2):

Labcorp Genetics (formerly Invitae), Labcorp
Classification: Likely benign for 3-methylglutaconic aciduria type 5. Last evaluated: 2026-01-28. Review status: criteria provided, single submitter. Criteria: Invitae Variant Classification Sherloc (09022015). Collection method: clinical testing. Allele origin: germline.

GeneDx
Classification: Likely benign. Last evaluated: 2018-02-06. Review status: criteria provided, single submitter. Criteria: GeneDx Variant Classification (06012015). Collection method: clinical testing. Allele origin: germline. Affected: yes.
Comment: This variant is considered likely benign or benign based on one or more of the following criteria: it is a conservative change, it occurs at a poorly conserved position in the protein, it is predicted to be benign by multiple in silico algorithms, and/or has population frequency not consistent with disease.